The following is an entry in ClinVar:

NM_001136193.2(FASTKD2):c.76T>C (p.Trp26Arg)

Gene: FASTKD2 (FASTK mitochondrial RNA regulator 2; plus strand). Cytogenetic location: 2q33.3.
Variant type: single nucleotide variant.
Coding change: c.76T>C on transcript NM_001136193.2 (MANE Select); coding-DNA position 76, T replaced by C.
Protein change: p.Trp26Arg; replaces tryptophan 26 with arginine.
Molecular consequence: missense variant.
Genome position (GRCh38, 1-based): chr2:206,766,769, T>C. VCF-style: chr2-206766769-T-C. GRCh37 (hg19) VCF-style: chr2-207631493-T-C.
Other names: c.76T>C, p.Trp26Arg (NM_001136194.2, NM_014929.4); short protein forms W26R.
Identifiers: ClinVar variation 374694 (VCV000374694.55), dbSNP rs536180346, ClinGen allele CA2074821.

ClinVar aggregate classification (germline): Conflicting classifications of pathogenicity. Review status: criteria provided, conflicting classifications (1 of 4 stars). 5 submissions from 5 submitters: Uncertain significance (1); Benign (2); Likely benign (2). Last evaluated 2026-09-01.

Conditions:
Mitochondrial complex IV deficiency, nuclear type 1 (MC4DN1). Also called: Mitochondrial complex IV deficiency; Complex 4 mitochondrial respiratory chain deficiency; Deficiency of mitochondrial respiratory chain complex4; Complex IV deficiency; COX DEFICIENCY. Identifiers: MedGen C5435656, MONDO:0700250, OMIM 220110. Disease mechanism: loss of function.
Combined oxidative phosphorylation deficiency 44. Also called: FASTKD2-Related Combined Oxidative Phosphorylation Deficiency. Identifiers: MedGen C5394293, MONDO:0030020, OMIM 618855.

Allele frequency attached by ClinVar (database versions not stated): gnomAD 0.00001 and 0.00022; TOPMed 0.00003; gnomAD exomes 0.00053 and 0.00107; ExAC 0.00113; 1000 Genomes Project 0.00180; 1000 Genomes Project 30x 0.00187.
gnomAD v4.1: 802 of 1,613,976 alleles (0.05%); highest among the groups gnomAD compares: South Asian, 0.85%; 11 homozygotes.

Submissions (5):

CeGaT Center for Human Genetics Tuebingen
Classification: Likely benign. Last evaluated: 2026-09-01. Review status: criteria provided, single submitter. Criteria: CeGaT Center For Human Genetics Tuebingen Variant Classification Criteria Version 2. Collection method: clinical testing. Allele origin: germline. Affected: yes. Observed: 3 variant alleles.
Comment: FASTKD2: BP4

Labcorp Genetics (formerly Invitae), Labcorp
Classification: Benign. Last evaluated: 2024-09-11. Review status: criteria provided, single submitter. Criteria: Invitae Variant Classification Sherloc (09022015). Collection method: clinical testing. Allele origin: germline.

Department of Pathology and Laboratory Medicine, Sinai Health System
Classification: Likely benign for Combined oxidative phosphorylation deficiency 44. Last evaluated: 2022-06-15. Review status: criteria provided, single submitter. Criteria: ACMG Guidelines, 2015. Collection method: research. Allele origin: germline.

Centre for Mendelian Genomics, University Medical Centre Ljubljana
Classification: Benign for Combined oxidative phosphorylation deficiency 44. Last evaluated: 2018-11-08. Review status: criteria provided, single submitter. Criteria: ACMG Guidelines, 2015. Collection method: clinical testing. Allele origin: unknown. Affected: yes.
Comment: This variant was classified as: Benign. The following ACMG criteria were applied in classifying this variant: BS1,BS2.

Illumina Laboratory Services, Illumina
Classification: Uncertain significance for Mitochondrial complex IV deficiency, nuclear type 1. Last evaluated: 2018-01-12. Review status: criteria provided, single submitter. Criteria: ICSL Variant Classification Criteria 13 December 2019. Collection method: clinical testing. Allele origin: germline.